The following is an entry in ClinVar:

ClinVar aggregate classification (germline): Uncertain significance (1 of 4 stars; one submission).

Submission:

Labcorp Genetics (formerly Invitae), Labcorp
Classification: Uncertain significance. Last evaluated: 2022-08-19. Review status: criteria provided, single submitter. Criteria: Invitae Variant Classification Sherloc (09022015). Collection method: clinical testing. Allele origin: germline.
Comment: This variant is not present in population databases (gnomAD no frequency). This sequence change replaces serine, which is neutral and polar, with arginine, which is basic and polar, at codon 12 of the TTC37 protein (p.Ser12Arg). This variant has not been reported in the literature in individuals affected with TTC37-related conditions. Algorithms developed to predict the effect of missense changes on protein structure and function are either unavailable or do not agree on the potential impact of this missense change (SIFT: "Tolerated"; PolyPhen-2: "Possibly Damaging"; Align-GVGD: "Class C0"). In summary, the available evidence is currently insufficient to determine the role of this variant in disease. Therefore, it has been classified as a Variant of Uncertain Significance.

NM_014639.4(SKIC3):c.34A>C (p.Ser12Arg)

Gene: SKIC3 (SKI3 subunit of superkiller complex; minus strand). Cytogenetic location: 5q15.
Variant type: single nucleotide variant.
Coding change: c.34A>C on transcript NM_014639.4 (MANE Select); coding-DNA position 34, A replaced by C.
Protein change: p.Ser12Arg; replaces serine 12 with arginine.
Molecular consequence: missense variant.
Genome position (GRCh38, 1-based): chr5:95,547,117, T>G on the plus strand (A>C on the coding strand, the complement: SKIC3 is on the minus strand). VCF-style: chr5-95547117-T-G. GRCh37 (hg19) VCF-style: chr5-94882821-T-G.
Other names: short protein forms S12R.
Identifiers: ClinVar variation 2024862 (VCV002024862.4), dbSNP rs2530815219, ClinGen allele CA360448405.